The following is an entry in ClinVar:

NM_000059.4(BRCA2):c.2622del (p.Val875fs)

Gene: BRCA2 (BRCA2 DNA repair associated; plus strand). Cytogenetic location: 13q13.1.
Variant type: Deletion.
Coding change: c.2622del on transcript NM_000059.4 (MANE Select); coding-DNA position 2622, one base deleted (T; older notation c.2622delT).
Protein change: p.Val875fs; shifts the reading frame from valine 875.
Molecular consequence: frameshift variant.
Genome position (GRCh38, 1-based): chr13:32,336,977, T deleted. VCF-style (leftmost placement, unchanged base first): chr13-32336976-CT-C. GRCh37 (hg19) VCF-style: chr13-32911113-CT-C.
Other names: c.2622delT, p.Val875Serfs (NM_001406719.1, NM_001406720.1); short protein forms V875fs.
Identifiers: ClinVar variation 1793971 (VCV001793971.2), dbSNP rs2548524366, ClinGen allele CA2580087291.

ClinVar aggregate classification (germline): Pathogenic (1 of 4 stars; one submission).

Conditions:
Hereditary cancer-predisposing syndrome. Also called: Tumor predisposition; Hereditary Cancer Syndrome; Neoplastic Syndromes, Hereditary; Hereditary neoplastic syndrome. Identifiers: Orphanet 140162, MedGen C0027672, MeSH D009386, MONDO:0015356.

Submission:

Ambry Genetics
Classification: Pathogenic for Hereditary cancer-predisposing syndrome. Last evaluated: 2021-05-10. Review status: criteria provided, single submitter. Criteria: Ambry Variant Classification Scheme 2023. Collection method: clinical testing. Allele origin: germline.
Comment: The c.2622delT pathogenic mutation, located in coding exon 10 of the BRCA2 gene, results from a deletion of one nucleotide at nucleotide position 2622, causing a translational frameshift with a predicted alternate stop codon (p.V875Sfs*20). This alteration is expected to result in loss of function by premature protein truncation or nonsense-mediated mRNA decay. As such, this alteration is interpreted as a disease-causing mutation.